The following is an entry in ClinVar:

ClinVar aggregate classification (germline): Uncertain significance (1 of 4 stars; one submission).

Submission:

CeGaT Center for Human Genetics Tuebingen
Classification: Uncertain significance. Last evaluated: 2023-11-01. Review status: criteria provided, single submitter. Criteria: CeGaT Center For Human Genetics Tuebingen Variant Classification Criteria Version 2. Collection method: clinical testing. Allele origin: germline. Affected: yes. Observed: 1 variant allele.
Comment: WAS: PM2

NM_000377.3(WAS):c.452G>A (p.Arg151Lys)

Gene: WAS (WASP actin nucleation promoting factor; plus strand). Cytogenetic location: Xp11.23.
Variant type: single nucleotide variant.
Coding change: c.452G>A on transcript NM_000377.3 (MANE Select); coding-DNA position 452, G replaced by A.
Protein change: p.Arg151Lys; replaces arginine 151 with lysine.
Molecular consequence: missense variant.
Genome position (GRCh38, 1-based): chrX:48,685,825, G>A. VCF-style: chrX-48685825-G-A. GRCh37 (hg19) VCF-style: chrX-48544214-G-A.
Other names: short protein forms R151K.
Identifiers: ClinVar variation 2673229 (VCV002673229.23), dbSNP rs1557006584, ClinGen allele CA412868243.
Genomic context (GRCh38, chrX:48,685,825, plus strand): 5'-AGGACGAGGCCCAGGCCTTCCGGGCCCTCGTGCAGGAGAAGATACAAAAAAGGAATCAGA[G>A]GCAAAGTGGAGGTGAGGAGGCCACAGGGGAGGAAAGGAAGTTGGGCAGAGGTGAGTGCAA-3'
Protein context (NP_000368.1, residues 141-161): VQEKIQKRNQ[Arg151Lys]QSGDRRQLPP